The following is an entry in ClinVar:

ClinVar aggregate classification (germline): Uncertain significance (1 of 4 stars; one submission).

Conditions:
Charcot-Marie-Tooth disease dominant intermediate B (CMTDIB). Also called: Charcot-Marie-Tooth disease dominant intermediate 1; CMT DI1; Charcot-Marie-Tooth disease dominant intermediate I; CHARCOT-MARIE-TOOTH NEUROPATHY, DOMINANT INTERMEDIATE B. Identifiers: Orphanet 100044, Orphanet 228179, MedGen C1847902, MONDO:0011674, OMIM 606482.

Submission:

Labcorp Genetics (formerly Invitae), Labcorp
Classification: Uncertain significance for Charcot-Marie-Tooth disease dominant intermediate B. Last evaluated: 2021-04-09. Review status: criteria provided, single submitter. Criteria: Invitae Variant Classification Sherloc (09022015). Collection method: clinical testing. Allele origin: germline.
Comment: In summary, the available evidence is currently insufficient to determine the role of this variant in disease. Therefore, it has been classified as a Variant of Uncertain Significance. Algorithms developed to predict the effect of missense changes on protein structure and function are either unavailable or do not agree on the potential impact of this missense change (SIFT: "Deleterious"; PolyPhen-2: "Not Available"; Align-GVGD: "Class C0"). This variant has not been reported in the literature in individuals with DNM2-related conditions. This variant is not present in population databases (ExAC no frequency). This sequence change replaces proline with histidine at codon 858 of the DNM2 protein (p.Pro858His). The proline residue is moderately conserved and there is a moderate physicochemical difference between proline and histidine.

NM_001005361.3(DNM2):c.2573C>A (p.Pro858His)

Gene: DNM2 (dynamin 2; plus strand). Cytogenetic location: 19p13.2.
Variant type: single nucleotide variant.
Coding change: c.2573C>A on transcript NM_001005361.3 (MANE Select); coding-DNA position 2573, C replaced by A.
Protein change: p.Pro858His; replaces proline 858 with histidine.
Molecular consequence: missense variant.
Genome position (GRCh38, 1-based): chr19:10,831,007, C>A. VCF-style: chr19-10831007-C-A. GRCh37 (hg19) VCF-style: chr19-10941683-C-A.
Other names: c.2573C>A, p.Pro858His (NM_001005360.3); c.2561C>A, p.Pro854His (NM_001005362.3, NM_004945.4); c.2570C>A, p.Pro857His (NM_001190716.2); short protein forms P857H, P854H, P858H.
Identifiers: ClinVar variation 1424046 (VCV001424046.8), dbSNP rs2146214048, ClinGen allele CA404044559.